The following is an entry in ClinVar:

NM_005188.4(CBL):c.1039C>T (p.Pro347Ser)

Gene: CBL (Cbl proto-oncogene; plus strand). Cytogenetic location: 11q23.3.
Variant type: single nucleotide variant.
Coding change: c.1039C>T on transcript NM_005188.4 (MANE Select); coding-DNA position 1039, C replaced by T.
Protein change: p.Pro347Ser; replaces proline 347 with serine.
Molecular consequence: missense variant.
Genome position (GRCh38, 1-based): chr11:119,277,788, C>T. VCF-style: chr11-119277788-C-T. GRCh37 (hg19) VCF-style: chr11-119148498-C-T.
Other names: c.1039C>T (NM_005188.2); short protein forms P347S.
Identifiers: ClinVar variation 1965223 (VCV001965223.6), dbSNP rs2496938144, ClinGen allele CA382911904.

ClinVar aggregate classification (germline): Uncertain significance. Review status: criteria provided, multiple submitters, no conflicts (2 of 4 stars). 2 submissions from 2 submitters: Uncertain significance (2). Last evaluated 2025-05-19.

Conditions:
Cardiovascular phenotype. Identifiers: MedGen CN230736.
RASopathy. Also called: Noonan spectrum disorder; rasopathies. Identifiers: Orphanet 536391, MedGen C5555857, MONDO:0021060.

Submissions (2):

Ambry Genetics
Classification: Uncertain significance for Cardiovascular phenotype. Last evaluated: 2025-05-19. Review status: criteria provided, single submitter. Criteria: Ambry Variant Classification Scheme 2023. Collection method: clinical testing. Allele origin: germline.
Comment: The p.P347S variant (also known as c.1039C>T), located in coding exon 7 of the CBL gene, results from a C to T substitution at nucleotide position 1039. The proline at codon 347 is replaced by serine, an amino acid with similar properties. This amino acid position is conserved. In addition, the in silico prediction for this alteration is inconclusive. Based on the available evidence, the clinical significance of this variant remains unclear.

Labcorp Genetics (formerly Invitae), Labcorp
Classification: Uncertain significance for RASopathy. Last evaluated: 2023-08-10. Review status: criteria provided, single submitter. Criteria: Invitae Variant Classification Sherloc (09022015). Collection method: clinical testing. Allele origin: germline.
Comment: In summary, the available evidence is currently insufficient to determine the role of this variant in disease. Therefore, it has been classified as a Variant of Uncertain Significance. Advanced modeling of protein sequence and biophysical properties (such as structural, functional, and spatial information, amino acid conservation, physicochemical variation, residue mobility, and thermodynamic stability) has been performed at Invitae for this missense variant, however the output from this modeling did not meet the statistical confidence thresholds required to predict the impact of this variant on CBL protein function. ClinVar contains an entry for this variant (Variation ID: 1965223). This variant has not been reported in the literature in individuals affected with CBL-related conditions. This variant is not present in population databases (gnomAD no frequency). This sequence change replaces proline, which is neutral and non-polar, with serine, which is neutral and polar, at codon 347 of the CBL protein (p.Pro347Ser).